The following is an entry in ClinVar:

NM_018676.4(THSD1):c.1996C>T (p.Arg666Ter)

Gene: THSD1 (thrombospondin type 1 domain containing 1; minus strand). Cytogenetic location: 13q14.3.
Variant type: single nucleotide variant.
Coding change: c.1996C>T on transcript NM_018676.4 (MANE Select); coding-DNA position 1996, C replaced by T.
Protein change: p.Arg666Ter; replaces arginine 666 with a stop codon.
Molecular consequence: nonsense.
Genome position (GRCh38, 1-based): chr13:52,377,974, G>A on the plus strand (C>T on the coding strand, the complement: THSD1 is on the minus strand). VCF-style: chr13-52377974-G-A. GRCh37 (hg19) VCF-style: chr13-52952109-G-A.
Other names: c.1837C>T, p.Arg613Ter (NM_199263.3); short protein forms R613*, R666*.
Identifiers: ClinVar variation 1804813 (VCV001804813.3), dbSNP rs758762553, ClinGen allele CA6991869.

ClinVar aggregate classification (germline): Uncertain significance. Review status: criteria provided, multiple submitters, no conflicts (2 of 4 stars). 3 submissions from 3 submitters: Uncertain significance (3). Last evaluated 2025-04-14.

Conditions:
Lymphatic malformation 13 (LMPHM13). Also called: HYDROPS FETALIS, NONIMMUNE, WITH CARDIAC DEFECTS AND HEMANGIOMAS. Identifiers: MedGen C5830279, MONDO:0859379, OMIM 620244.

Allele frequency attached by ClinVar (database versions not stated): ExAC 0.00002; gnomAD 0.00001; TOPMed 0.00001.

Submissions (3):

Revvity Omics, Revvity
Classification: Uncertain significance. Last evaluated: 2025-04-14. Review status: criteria provided, single submitter. Criteria: ACMG Guidelines, 2015. Collection method: clinical testing. Allele origin: germline.

Clinical Genomics Laboratory, Washington University in St. Louis
Classification: Uncertain significance for Lymphatic malformation 13. Last evaluated: 2023-11-26. Review status: criteria provided, single submitter. Criteria: ACMG Guidelines, 2015. Collection method: clinical testing. Allele origin: germline.
Comment: The THSD1 c.1996C>T (p.Arg666Ter) variant, to our knowledge, has not been reported in the medical literature but has been reported in the ClinVar database as a germline variant of uncertain significance by one submitter. This variant is only observed on 6/251,026 alleles in the general population (gnomAD v.2.1.1), indicating it is not a common variant. This variant causes a premature termination codon; however, because this occurs in the last exon, this is not predicted to lead to nonsense mediated decay but is predicted to remove >20% of the protein. Due to limited information, and based on ACMG/AMP guidelines for variant interpretation (Richards S et al., PMID: 25741868), the clinical significance of this variant is uncertain at this time.

Women's Health and Genetics/Laboratory Corporation of America, LabCorp
Classification: Uncertain significance. Last evaluated: 2022-11-02. Review status: criteria provided, single submitter. Criteria: LabCorp Variant Classification Summary - May 2015. Collection method: clinical testing. Allele origin: germline.
Comment: Variant summary: THSD1 c.1996C>T (p.Arg666X) results in a premature termination codon within exon 5 (last exon), predicted to cause a truncation of the encoded protein or absence of the protein due to nonsense mediated decay. Loss-of-function variants in THSD1 gene have been reported in heterozygous and homozygous individuals affected with intracranial aneurysm and non-immune hydrops fetalis, and THSD1 loss resulted in cerebral bleeding in zebrafish and mice models (PMIDs: 26036949, 27895300, 30055085, 33569873). To our knowledge, truncations downstream of this position have not been reported in patients with THSD1-Related Disorders in the literature or cited in online databases (HGMD, LOVD, ClinVar). The variant allele was found in 6 heterozygous individuals at a frequency of 2.4e-05 in 251026 control chromosomes (gnomAD). To our knowledge, no occurrence of c.1996C>T in individuals affected with THSD1-Related Disorders and no experimental evidence demonstrating its impact on protein function have been reported. No clinical diagnostic laboratories have submitted clinical-significance assessments for this variant to ClinVar after 2014. Based on the evidence outlined above, the variant was classified as uncertain significance.